The following is an entry in ClinVar:

NM_001813.3(CENPE):c.4033A>C (p.Lys1345Gln)

Gene: CENPE (centromere protein E; minus strand). Cytogenetic location: 4q24.
Variant type: single nucleotide variant.
Coding change: c.4033A>C on transcript NM_001813.3 (MANE Select); coding-DNA position 4033, A replaced by C.
Protein change: p.Lys1345Gln; replaces lysine 1345 with glutamine.
Molecular consequence: missense variant.
Genome position (GRCh38, 1-based): chr4:103,147,457, T>G on the plus strand (A>C on the coding strand, the complement: CENPE is on the minus strand). VCF-style: chr4-103147457-T-G. GRCh37 (hg19) VCF-style: chr4-104068614-T-G.
Other names: c.3958A>C, p.Lys1320Gln (NM_001286734.2); short protein forms K1320Q, K1345Q.
Identifiers: ClinVar variation 4687485 (VCV004687485.1).

ClinVar aggregate classification (germline): Uncertain significance (1 of 4 stars; one submission).

gnomAD v4.1: 11 of 1,613,950 alleles (0.00068%); highest among the groups gnomAD compares: African/African-American, 0.012%; no homozygotes.

Submission:

Women's Health and Genetics/Laboratory Corporation of America, LabCorp
Classification: Uncertain significance. Last evaluated: 2025-10-29. Review status: criteria provided, single submitter. Criteria: LabCorp Variant Classification Summary - May 2015. Collection method: clinical testing. Allele origin: germline.
Comment: Variant summary: CENPE c.4033A>C (p.Lys1345Gln) results in a conservative amino acid change in the encoded protein sequence. Algorithms developed to predict the effect of missense changes on protein structure and function all suggest that this variant is likely to be tolerated. The variant allele was found at a frequency of 8e-06 in 251396 control chromosomes. The available data on variant occurrences in the general population are insufficient to allow any conclusion about variant significance. To our knowledge, no occurrence of c.4033A>C in individuals affected with CENPE-related conditions and no experimental evidence demonstrating its impact on protein function have been reported. No submitters have cited clinical-significance assessments for this variant to ClinVar. Based on the evidence outlined above, the variant was classified as uncertain significance.